The following is an entry in ClinVar:

ClinVar aggregate classification (germline): Uncertain significance. Review status: criteria provided, multiple submitters, no conflicts (2 of 4 stars). 5 submissions from 5 submitters: Uncertain significance (4). 1 of the submissions does not count toward it. Last evaluated 2025-07-03.

Conditions:
Inborn genetic diseases. Identifiers: MedGen C0950123, MeSH D030342.
Nemaline myopathy 2 (NEM2). Also called: Nemaline myopathy 2, autosomal recessive. Identifiers: MedGen C1850569, MONDO:0009725, OMIM 256030.

Allele frequency attached by ClinVar (database versions not stated): ExAC 0.00001; gnomAD exomes 0.00001 and 0.00002; TOPMed 0.00003; gnomAD 0.00004.
gnomAD v4.1: 25 of 1,613,764 alleles (0.0015%); highest among the groups gnomAD compares: Middle Eastern, 0.016%; no homozygotes.

Submissions (5):

Ambry Genetics
Classification: Uncertain significance for Inborn genetic diseases. Last evaluated: 2025-07-03. Review status: criteria provided, single submitter. Criteria: Ambry Variant Classification Scheme 2023. Collection method: clinical testing. Allele origin: germline.

GeneDx
Classification: Uncertain significance. Last evaluated: 2024-03-08. Review status: criteria provided, single submitter. Criteria: GeneDx Variant Classification Process June 2021. Collection method: clinical testing. Allele origin: germline. Affected: yes.
Comment: Not observed at significant frequency in large population cohorts (gnomAD); In silico analysis supports that this missense variant has a deleterious effect on protein structure/function; Has not been previously published as pathogenic or benign to our knowledge

Labcorp Genetics (formerly Invitae), Labcorp
Classification: Uncertain significance for Nemaline myopathy 2. Last evaluated: 2022-07-20. Review status: criteria provided, single submitter. Criteria: Invitae Variant Classification Sherloc (09022015). Collection method: clinical testing. Allele origin: germline.
Comment: This sequence change replaces proline, which is neutral and non-polar, with leucine, which is neutral and non-polar, at codon 3423 of the NEB protein (p.Pro3423Leu). This variant is present in population databases (rs753198978, gnomAD 0.006%). This variant has not been reported in the literature in individuals affected with NEB-related conditions. ClinVar contains an entry for this variant (Variation ID: 447751). Algorithms developed to predict the effect of missense changes on protein structure and function are either unavailable or do not agree on the potential impact of this missense change (SIFT: "Deleterious"; PolyPhen-2: "Not Available"; Align-GVGD: "Class C0"). In summary, the available evidence is currently insufficient to determine the role of this variant in disease. Therefore, it has been classified as a Variant of Uncertain Significance.

Athena Diagnostics
Classification: Uncertain significance. Last evaluated: 2016-06-09. Review status: criteria provided, single submitter. Criteria: Athena Diagnostics Criteria. Collection method: clinical testing. Allele origin: germline.

Natera, Inc.
Classification: Uncertain significance for Nemaline myopathy type 2. Last evaluated: 2019-11-11. Review status: no assertion criteria provided. Collection method: clinical testing. Allele origin: germline. Not counted in ClinVar's aggregate classification.

NM_001164508.2(NEB):c.10268C>T (p.Pro3423Leu)

Gene: NEB (nebulin; minus strand). Cytogenetic location: 2q23.3.
Variant type: single nucleotide variant.
Coding change: c.10268C>T on transcript NM_001164508.2 (MANE Select); coding-DNA position 10268, C replaced by T.
Protein change: p.Pro3423Leu; replaces proline 3423 with leucine.
Molecular consequence: missense variant.
Genome position (GRCh38, 1-based): chr2:151,627,081, G>A on the plus strand (C>T on the coding strand, the complement: NEB is on the minus strand). VCF-style: chr2-151627081-G-A. GRCh37 (hg19) VCF-style: chr2-152483595-G-A.
Other names: c.9539C>T (NM_004543.4); c.10268C>T, p.Pro3423Leu (NM_001164507.2, NM_001271208.2); c.9539C>T, p.Pro3180Leu (NM_004543.5); short protein forms P3423L, P3180L.
Identifiers: ClinVar variation 447751 (VCV000447751.6), dbSNP rs753198978, ClinGen allele CA1909080.
Genomic context (GRCh38, chr2:151,627,081, plus strand): 5'-TTGTTCTTGGCCAGCACCTGCTCTAGAGAGTCAGTCACACTGGTAAATTTCAGCTTGTCC[G>A]GAGGCTGGCGGTAGATGTTATCACTCAGTATTTCAGCAGCTCTCTTGCACTTGACCACAT-3'
Protein context (NP_001157980.2, residues 3413-3433): ILSDNIYRQP[Pro3423Leu]DKLKFTSVTD